The following is an entry in ClinVar:

NM_015338.6(ASXL1):c.3989C>G (p.Pro1330Arg)

Gene: ASXL1 (ASXL transcriptional regulator 1; plus strand). Cytogenetic location: 20q11.21.
Variant type: single nucleotide variant.
Coding change: c.3989C>G on transcript NM_015338.6 (MANE Select); coding-DNA position 3989, C replaced by G.
Protein change: p.Pro1330Arg; replaces proline 1330 with arginine.
Molecular consequence: missense variant.
Genome position (GRCh38, 1-based): chr20:32,436,701, C>G. VCF-style: chr20-32436701-C-G. GRCh37 (hg19) VCF-style: chr20-31024504-C-G.
Other names: c.3806C>G, p.Pro1269Arg (NM_001363734.1); short protein forms P1269R, P1330R.
Identifiers: ClinVar variation 2632627 (VCV002632627.1), dbSNP rs201002256, ClinGen allele CA408564208.

ClinVar aggregate classification (germline): Uncertain significance (1 of 4 stars; one submission).

Conditions:
ASXL1-related disorder. Also called: ASXL1-related condition; ASXL1-related disorders.

Submission:

PreventionGenetics, part of Exact Sciences
Classification: Uncertain significance for ASXL1-related condition. Last evaluated: 2023-06-21. Review status: criteria provided, single submitter. Criteria: ACMG Guidelines, 2015. Collection method: clinical testing. Allele origin: germline.
Comment: The ASXL1 c.3989C>G variant is predicted to result in the amino acid substitution p.Pro1330Arg. To our knowledge, this variant has not been reported in the literature or in a large population database, indicating this variant is rare. At this time, the clinical significance of this variant is uncertain due to the absence of conclusive functional and genetic evidence.